The following is an entry in ClinVar:

NM_000057.4(BLM):c.1105C>T (p.Gln369Ter)

Gene: BLM (BLM RecQ like helicase; plus strand). Cytogenetic location: 15q26.1.
Variant type: single nucleotide variant.
Coding change: c.1105C>T on transcript NM_000057.4 (MANE Select); coding-DNA position 1105, C replaced by T.
Protein change: p.Gln369Ter; replaces glutamine 369 with a stop codon.
Molecular consequence: nonsense. On other transcripts: 5 prime UTR variant (1).
Genome position (GRCh38, 1-based): chr15:90,760,164, C>T. VCF-style: chr15-90760164-C-T. GRCh37 (hg19) VCF-style: chr15-91303394-C-T.
Other names: c.1105C>T, p.Gln369Ter (NM_001287246.2, NM_001287247.2); c.-21C>T (NM_001287248.2); short protein forms Q369*.
Identifiers: ClinVar variation 4771599 (VCV004771599.1).
Genomic context (GRCh38, chr15:90,760,164, plus strand): 5'-TTTTCCCTCAAAGAAAAATATTAACAACATAATTATTTTATAGCTAGACAGATAAGTTTA[C>T]AGCAGCAGCTTATTCATGTGATGGAGCACATCTGTAAATTAATTGATACTATTCCTGATG-3'

ClinVar aggregate classification (germline): Pathogenic (1 of 4 stars; one submission).

Conditions:
Bloom syndrome (BLM). Also called: Bloom-Torre-Machacek syndrome. Identifiers: Orphanet 125, MedGen C0005859, MONDO:0008876, OMIM 210900.

Submission:

Labcorp Genetics (formerly Invitae), Labcorp
Classification: Pathogenic for Bloom syndrome. Last evaluated: 2025-12-01. Review status: criteria provided, single submitter. Criteria: Invitae Variant Classification Sherloc (09022015). Collection method: clinical testing. Allele origin: germline.
Comment: This sequence change creates a premature translational stop signal (p.Gln369*) in the BLM gene. It is expected to result in an absent or disrupted protein product. Loss-of-function variants in BLM are known to be pathogenic (PMID: 17407155). This variant is not present in population databases (gnomAD no frequency). This variant has not been reported in the literature in individuals affected with BLM-related conditions. Algorithms developed to predict the effect of sequence changes on RNA splicing suggest that this variant may disrupt the consensus splice site. For these reasons, this variant has been classified as Pathogenic.

Literature cited by the submitters: PubMed 17407155.